The following is an entry in ClinVar:

NM_001042492.3(NF1):c.6428-16del

Gene: NF1 (neurofibromin 1; plus strand). Cytogenetic location: 17q11.2.
Variant type: Deletion.
Coding change: c.6428-16del on transcript NM_001042492.3 (MANE Select); 16 bases into the intron before coding-DNA position 6428, one base deleted (C; older notation c.6428-16delC).
Molecular consequence: intron variant.
Genome position (GRCh38, 1-based): chr17:31,337,352, C deleted; the last of 2 consecutive C bases (chr17:31,337,351-31,337,352); deleting either gives the same sequence. VCF-style (leftmost placement, unchanged base first): chr17-31337350-TC-T. GRCh37 (hg19) VCF-style: chr17-29664368-TC-T.
Other names: c.6365-16del (NM_000267.4).
Identifiers: ClinVar variation 1653965 (VCV001653965.9), dbSNP rs775290769, ClinGen allele CA8487352.

ClinVar aggregate classification (germline): Likely benign. Review status: criteria provided, multiple submitters, no conflicts (2 of 4 stars). 2 submissions from 2 submitters: Likely benign (2). Last evaluated 2026-05-13.

Conditions:
Neurofibromatosis, type 1 (NF1). Also called: VON RECKLINGHAUSEN DISEASE; NEUROFIBROMATOSIS, TYPE I, SOMATIC; Neurofibromatosis, type I; Peripheral type neurofibromatosis. Identifiers: Orphanet 636, MedGen C0027831, MONDO:0018975, OMIM 162200. Disease mechanism: loss of function.

Submissions (2):

Myriad Genetics, Inc.
Classification: Likely benign for Neurofibromatosis, type 1. Last evaluated: 2026-05-13. Review status: criteria provided, single submitter. Criteria: Myriad Autosomal Dominant, Autosomal Recessive and X-Linked Classification Criteria (2023). Collection method: clinical testing. Allele origin: unknown.
Comment: This variant is considered likely benign. This variant is intronic and is not expected to impact mRNA splicing.

Labcorp Genetics (formerly Invitae), Labcorp
Classification: Likely benign for Neurofibromatosis, type 1. Last evaluated: 2025-08-18. Review status: criteria provided, single submitter. Criteria: Invitae Variant Classification Sherloc (09022015). Collection method: clinical testing. Allele origin: germline.